The following is an entry in ClinVar:

ClinVar aggregate classification (germline): Uncertain significance. Review status: reviewed by expert panel (3 of 4 stars). 2 submissions from 2 submitters: Uncertain significance (1). 1 of the submissions does not count toward it. Last evaluated 2026-01-25.

Conditions:
Retinitis pigmentosa (RP). Identifiers: Orphanet 791, MedGen C0035334, MeSH D012174, MONDO:0019200, OMIM 268000. Inheritance: Autosomal dominant, autosomal recessive and X linked inheritance.
RPGR-related retinopathy. Also called: RPGR retinopathy. Identifiers: MedGen CN305589, MONDO:0100437.

Submissions (2):

ClinGen X-linked Inherited Retinal Disease Variant Curation Expert Panel, ClinGen
Classification: Uncertain significance for RPGR-related retinopathy. Last evaluated: 2026-01-25. Review status: reviewed by expert panel. Criteria: ClinGen X LinkedIRD ACMG Specifications RPGR V1.0.0. Collection method: curation. Allele origin: germline. Inheritance: X-linked inheritance.
Comment: NM_001034853.2(RPGR):c.126T>G (p.Cys42Trp) is a missense variant encoding the substitution of cysteine with tryptophan at amino acid 42. This variant is absent from gnomAD v4.1.0 (PM2_Supporting). This variant has been reported in at least 1 affected proband who did not meet one of the PS4 requirements of some functional vision impairment in affected males by age 30 years, and/or decreased or absent electroretinogram responses (PMID: 28041643), so the PS4_Supporting code was not met. The computational predictor REVEL gives a score of 0.788, which is within the ClinGen X-linked IRD VCEP range between 0.931 to 0.773 and predicts a damaging effect on RPGR function (PP3_Moderate). The computational splicing predictor SpliceAI gives a delta score of 0.01 for donor loss and donor gain, which is below the ClinGen X-linked IRD VCEP threshold of >0.2 and does not predict that the variant disrupts RPGR splicing. In summary, this variant is classified as a variant of uncertain significance for RPGR-related retinopathy based on the ClinGen X-linked Inherited Retinal Disease Expert Panel Specifications to the ACMG/AMP Variant Interpretation Guidelines for RPGR Version 1.0.0; PM2_Supporting and PP3_Moderate.

NIHR Bioresource Rare Diseases, University of Cambridge
Classification: Likely pathogenic for Retinitis pigmentosa. Last evaluated: 2015-01-01. Review status: no assertion criteria provided. Collection method: research. Allele origin: unknown. Affected: yes. Observed: 1 variant allele. Not counted in ClinVar's aggregate classification.

Literature cited by the submitters: PubMed 28041643 (cited by NIHR Bioresource Rare Diseases, University of Cambridge).

NM_001034853.2(RPGR):c.126T>G (p.Cys42Trp)

Gene: RPGR (retinitis pigmentosa GTPase regulator; minus strand). Cytogenetic location: Xp11.4.
Variant type: single nucleotide variant.
Coding change: c.126T>G on transcript NM_001034853.2 (MANE Select); coding-DNA position 126, T replaced by G.
Protein change: p.Cys42Trp; replaces cysteine 42 with tryptophan.
Molecular consequence: missense variant. On other transcripts: non-coding transcript variant (6).
Genome position (GRCh38, 1-based): chrX:38,323,427, A>C on the plus strand (T>G on the coding strand, the complement: RPGR is on the minus strand). VCF-style: chrX-38323427-A-C. GRCh37 (hg19) VCF-style: chrX-38182680-A-C.
Other names: NM_001034853.2(RPGR):c.126T>G; p.Cys42Trp; c.126T>G, p.Cys42Trp (NM_000328.3, NM_001367245.1, NM_001367246.1 and 4 more transcripts); c.156T>G, p.Cys52Trp (NM_001367248.1); short protein forms C42W, C52W.
Identifiers: ClinVar variation 438137 (VCV000438137.3), dbSNP rs1555968526, ClinGen allele CA412745785.